The following is an entry in ClinVar:

ClinVar aggregate classification (germline): Pathogenic (1 of 4 stars; one submission).

Submission:

Labcorp Genetics (formerly Invitae), Labcorp
Classification: Pathogenic. Last evaluated: 2023-03-23. Review status: criteria provided, single submitter. Criteria: Invitae Variant Classification Sherloc (09022015). Collection method: clinical testing. Allele origin: germline.
Comment: ClinVar contains an entry for this variant (Variation ID: 2130774). This variant has not been reported in the literature in individuals affected with SYT2-related conditions. For these reasons, this variant has been classified as Pathogenic. This variant is not present in population databases (gnomAD no frequency). This sequence change creates a premature translational stop signal (p.Phe229*) in the SYT2 gene. It is expected to result in an absent or disrupted protein product. Loss-of-function variants in SYT2 are known to be pathogenic (PMID: 32776697).

Literature cited by the submitters: PubMed 32776697.

NM_177402.5(SYT2):c.686_687del (p.Asp228_Phe229insTer)

Gene: SYT2 (synaptotagmin 2; minus strand). Cytogenetic location: 1q32.1.
Variant type: Deletion.
Coding change: c.686_687del on transcript NM_177402.5 (MANE Select); coding-DNA positions 686 to 687, 2 bases deleted (TT; older notation c.686_687delTT).
Protein change: p.Asp228_Phe229insTer.
Molecular consequence: nonsense.
Genome position (GRCh38, 1-based): chr1:202,602,004-202,602,005, AA deleted on the plus strand (TT on the coding strand, the reverse complement: SYT2 is on the minus strand); deleting any 2 consecutive bases within chr1:202,602,004-202,602,006 gives the same sequence; the c. name uses the placement nearest the transcript's 3' end. VCF-style (leftmost placement, unchanged base first): chr1-202602003-CAA-C. GRCh37 (hg19) VCF-style: chr1-202571131-CAA-C.
Other names: c.686_687del, p.Asp228_Phe229insTer (NM_001136504.1).
Identifiers: ClinVar variation 2130774 (VCV002130774.4), dbSNP rs2526969474, ClinGen allele CA2580061909.